The following is an entry in ClinVar:

NM_017654.4(SAMD9):c.3146A>G (p.Asn1049Ser)

Gene: SAMD9 (sterile alpha motif domain containing 9; minus strand). Cytogenetic location: 7q21.2.
Variant type: single nucleotide variant.
Coding change: c.3146A>G on transcript NM_017654.4 (MANE Select); coding-DNA position 3146, A replaced by G.
Protein change: p.Asn1049Ser; replaces asparagine 1049 with serine.
Molecular consequence: missense variant.
Genome position (GRCh38, 1-based): chr7:93,102,952, T>C on the plus strand (A>G on the coding strand, the complement: SAMD9 is on the minus strand). VCF-style: chr7-93102952-T-C. GRCh37 (hg19) VCF-style: chr7-92732265-T-C.
Other names: c.3146A>G, p.Asn1049Ser (NM_001193307.2); short protein forms N1049S.
Identifiers: ClinVar variation 2789055 (VCV002789055.3), dbSNP rs2535356437, ClinGen allele CA368188696.

ClinVar aggregate classification (germline): Uncertain significance (1 of 4 stars; one submission).

Submission:

Labcorp Genetics (formerly Invitae), Labcorp
Classification: Uncertain significance. Last evaluated: 2024-01-31. Review status: criteria provided, single submitter. Criteria: Invitae Variant Classification Sherloc (09022015). Collection method: clinical testing. Allele origin: germline.
Comment: This sequence change replaces asparagine, which is neutral and polar, with serine, which is neutral and polar, at codon 1049 of the SAMD9 protein (p.Asn1049Ser). This variant is not present in population databases (gnomAD no frequency). This variant has not been reported in the literature in individuals affected with SAMD9-related conditions. Advanced modeling of protein sequence and biophysical properties (such as structural, functional, and spatial information, amino acid conservation, physicochemical variation, residue mobility, and thermodynamic stability) performed at Invitae indicates that this missense variant is not expected to disrupt SAMD9 protein function with a negative predictive value of 95%. In summary, the available evidence is currently insufficient to determine the role of this variant in disease. Therefore, it has been classified as a Variant of Uncertain Significance.